The following is an entry in ClinVar:

NM_003482.4(KMT2D):c.5972G>T (p.Gly1991Val)

Gene: KMT2D (lysine methyltransferase 2D; minus strand). Cytogenetic location: 12q13.12.
Variant type: single nucleotide variant.
Coding change: c.5972G>T on transcript NM_003482.4 (MANE Select); coding-DNA position 5972, G replaced by T.
Protein change: p.Gly1991Val; replaces glycine 1991 with valine.
Molecular consequence: missense variant.
Genome position (GRCh38, 1-based): chr12:49,042,226, C>A on the plus strand (G>T on the coding strand, the complement: KMT2D is on the minus strand). VCF-style: chr12-49042226-C-A. GRCh37 (hg19) VCF-style: chr12-49436009-C-A.
Other names: short protein forms G1991V.
Identifiers: ClinVar variation 3668997 (VCV003668997.2).

ClinVar aggregate classification (germline): Uncertain significance (1 of 4 stars; one submission).

Conditions:
Kabuki syndrome. Also called: Kabuki make-up syndrome; NIIKAWA-KUROKI SYNDROME. Identifiers: Orphanet 2322, MedGen C0796004, MONDO:0016512.

Submission:

Labcorp Genetics (formerly Invitae), Labcorp
Classification: Uncertain significance for Kabuki syndrome. Last evaluated: 2024-07-17. Review status: criteria provided, single submitter. Criteria: Invitae Variant Classification Sherloc (09022015). Collection method: clinical testing. Allele origin: germline.
Comment: This sequence change replaces glycine, which is neutral and non-polar, with valine, which is neutral and non-polar, at codon 1991 of the KMT2D protein (p.Gly1991Val). This variant is not present in population databases (gnomAD no frequency). This variant has not been reported in the literature in individuals affected with KMT2D-related conditions. Advanced modeling of protein sequence and biophysical properties (such as structural, functional, and spatial information, amino acid conservation, physicochemical variation, residue mobility, and thermodynamic stability) performed at Invitae indicates that this missense variant is not expected to disrupt KMT2D protein function with a negative predictive value of 95%. In summary, the available evidence is currently insufficient to determine the role of this variant in disease. Therefore, it has been classified as a Variant of Uncertain Significance.